The following is an entry in ClinVar:

ClinVar aggregate classification (germline): Uncertain significance (1 of 4 stars; one submission).

Allele frequency attached by ClinVar (database versions not stated): gnomAD exomes below 0.00001; TOPMed below 0.00001.

Submission:

Labcorp Genetics (formerly Invitae), Labcorp
Classification: Uncertain significance. Last evaluated: 2022-03-19. Review status: criteria provided, single submitter. Criteria: Invitae Variant Classification Sherloc (09022015). Collection method: clinical testing. Allele origin: germline.
Comment: This variant has not been reported in the literature in individuals affected with EXTL3-related conditions. In summary, the available evidence is currently insufficient to determine the role of this variant in disease. Therefore, it has been classified as a Variant of Uncertain Significance. Algorithms developed to predict the effect of missense changes on protein structure and function (SIFT, PolyPhen-2, Align-GVGD) all suggest that this variant is likely to be disruptive. This variant is not present in population databases (gnomAD no frequency). This sequence change replaces proline, which is neutral and non-polar, with arginine, which is basic and polar, at codon 714 of the EXTL3 protein (p.Pro714Arg).

NM_001440.4(EXTL3):c.2141C>G (p.Pro714Arg)

Gene: EXTL3 (exostosin like glycosyltransferase 3; plus strand). Cytogenetic location: 8p21.1.
Variant type: single nucleotide variant.
Coding change: c.2141C>G on transcript NM_001440.4 (MANE Select); coding-DNA position 2141, C replaced by G.
Protein change: p.Pro714Arg; replaces proline 714 with arginine.
Molecular consequence: missense variant.
Genome position (GRCh38, 1-based): chr8:28,718,200, C>G. VCF-style: chr8-28718200-C-G. GRCh37 (hg19) VCF-style: chr8-28575717-C-G.
Other names: short protein forms P714R.
Identifiers: ClinVar variation 1438795 (VCV001438795.8), dbSNP rs1801208888, ClinGen allele CA370861561.